The following is an entry in ClinVar:

ClinVar aggregate classification (germline): Likely pathogenic (1 of 4 stars; one submission).

Conditions:
Tuberous sclerosis 2 (TSC2). Identifiers: Orphanet 805, MedGen C1860707, MONDO:0013199, OMIM 613254.

Submission:

Labcorp Genetics (formerly Invitae), Labcorp
Classification: Likely pathogenic for Tuberous sclerosis 2. Last evaluated: 2024-02-14. Review status: criteria provided, single submitter. Criteria: Invitae Variant Classification Sherloc (09022015). Collection method: clinical testing. Allele origin: germline.
Comment: This sequence change affects the initiator methionine of the TSC2 mRNA. The next in-frame methionine is located at codon 50. This variant is not present in population databases (gnomAD no frequency). Disruption of the initiator codon has been observed in individual(s) with clinical features of tuberous sclerosis complex (Invitae). ClinVar contains an entry for this variant (Variation ID: 1378864). Algorithms developed to predict the effect of variants on protein structure and function are not available or were not evaluated for this variant. Experimental studies have shown that disruption of the initiator codon affects TSC2 function (PMID: 22903760). In summary, the currently available evidence indicates that the variant is pathogenic, but additional data are needed to prove that conclusively. Therefore, this variant has been classified as Likely Pathogenic.

Literature cited by the submitters: PubMed 22903760.

NM_000548.5(TSC2):c.2T>A (p.Met1Lys)

Gene: TSC2 (TSC complex subunit 2; plus strand). Cytogenetic location: 16p13.3.
Variant type: single nucleotide variant.
Coding change: c.2T>A on transcript NM_000548.5 (MANE Select); coding-DNA position 2, T replaced by A.
Protein change: p.Met1Lys; changes the start codon (methionine 1).
Molecular consequence: missense variant, initiator codon variant. On other transcripts: 5 prime UTR variant (1), intron variant (1).
Genome position (GRCh38, 1-based): chr16:2,048,617, T>A. VCF-style: chr16-2048617-T-A. GRCh37 (hg19) VCF-style: chr16-2098618-T-A.
Other names: c.2T>A, p.Met1Lys (NM_001077183.3, NM_001114382.3, NM_001318827.2 and 4 more transcripts); c.-225T>A (NM_001318831.2); c.35T>A, p.Met12Lys (NM_001318832.2); c.-10+552T>A (NM_001318829.2); short protein forms M12K, M1K.
Identifiers: ClinVar variation 1378864 (VCV001378864.6), dbSNP rs2084667702, ClinGen allele CA394300404.